The following is an entry in ClinVar:

NM_000426.4(LAMA2):c.1133G>A (p.Cys378Tyr)

Gene: LAMA2 (laminin subunit alpha 2; plus strand). Cytogenetic location: 6q22.33.
Variant type: single nucleotide variant.
Coding change: c.1133G>A on transcript NM_000426.4 (MANE Select); coding-DNA position 1133, G replaced by A.
Protein change: p.Cys378Tyr; replaces cysteine 378 with tyrosine.
Molecular consequence: missense variant.
Genome position (GRCh38, 1-based): chr6:129,154,610, G>A. VCF-style: chr6-129154610-G-A. GRCh37 (hg19) VCF-style: chr6-129475755-G-A.
Other names: c.1133G>A, p.Cys378Tyr (NM_001079823.2); short protein forms C378Y.
Identifiers: ClinVar variation 566639 (VCV000566639.9), dbSNP rs1562282116, ClinGen allele CA365606984.
Genomic context (GRCh38, chr6:129,154,610, plus strand): 5'-ATGTTGCCAGAAGAAATCTGAGTTTGAATATACGTGGAAAGTACATTGGAGGGGGTGTCT[G>A]CATTAATTGTACCCAAAACACTGCTGGTATAAACTGCGAGACATGTACTGATGGCTTCTT-3'
Protein context (NP_000417.3, residues 368-388): IRGKYIGGGV[Cys378Tyr]INCTQNTAGI

ClinVar aggregate classification (germline): Uncertain significance (1 of 4 stars; one submission).

Conditions:
LAMA2-related muscular dystrophy (LAMA2-RD). Also called: Laminin alpha 2-related dystrophy. Identifiers: MedGen C5679788, MONDO:0100228.

Submission:

Labcorp Genetics (formerly Invitae), Labcorp
Classification: Uncertain significance for LAMA2-related muscular dystrophy. Last evaluated: 2018-01-24. Review status: criteria provided, single submitter. Criteria: Invitae Variant Classification Sherloc (09022015). Collection method: clinical testing. Allele origin: germline.
Comment: In summary, the available evidence is currently insufficient to determine the role of this variant in disease. Therefore, it has been classified as a Variant of Uncertain Significance. Algorithms developed to predict the effect of missense changes on protein structure and function do not agree on the potential impact of this missense change (SIFT: "Deleterious"; PolyPhen-2: "Probably Damaging"; Align-GVGD: "Class C0"). This variant has not been reported in the literature in individuals with LAMA2-related disease. This variant is not present in population databases (ExAC no frequency). This sequence change replaces cysteine with tyrosine at codon 378 of the LAMA2 protein (p.Cys378Tyr). The cysteine residue is moderately conserved and there is a large physicochemical difference between cysteine and tyrosine.